The following is an entry in ClinVar:

NM_001042492.3(NF1):c.6427+4A>G

Gene: NF1 (neurofibromin 1; plus strand). Cytogenetic location: 17q11.2.
Variant type: single nucleotide variant.
Coding change: c.6427+4A>G on transcript NM_001042492.3 (MANE Select); 4 bases into the intron after coding-DNA position 6427, A replaced by G.
Molecular consequence: intron variant.
Genome position (GRCh38, 1-based): chr17:31,336,918, A>G. VCF-style: chr17-31336918-A-G. GRCh37 (hg19) VCF-style: chr17-29663936-A-G.
Other names: c.6364+4A>G (NM_000267.4).
Identifiers: ClinVar variation 2137994 (VCV002137994.7), dbSNP rs2151555210, ClinGen allele CA2580093346.

ClinVar aggregate classification (germline): Pathogenic/Likely pathogenic. Review status: criteria provided, multiple submitters, no conflicts (2 of 4 stars). 3 submissions from 3 submitters: Pathogenic (2); Likely pathogenic (1). Last evaluated 2025-04-22.

Conditions:
Neurofibromatosis, type 1 (NF1). Also called: VON RECKLINGHAUSEN DISEASE; NEUROFIBROMATOSIS, TYPE I, SOMATIC; Peripheral type neurofibromatosis; Neurofibromatosis, type I. Identifiers: Orphanet 636, MedGen C0027831, MONDO:0018975, OMIM 162200. Disease mechanism: loss of function.

Allele frequency attached by ClinVar (database versions not stated): gnomAD exomes below 0.00001.
gnomAD v4.1: 1 of 1,607,756 alleles (0.000062%); highest among the groups gnomAD compares: Non-Finnish European, 0.000085%; no homozygotes.

Submissions (3):

Dasa
Classification: Likely pathogenic. Last evaluated: 2025-04-22. Review status: criteria provided, single submitter. Criteria: DASA Assertion Criteria. Collection method: clinical testing. Allele origin: germline.
Comment: NM_001042492.3(NF1):c.6427+4A>G is a splice-region variant predicted to affect normal RNA splicing. This variant has been recurrently observed in individuals with NF1-related disorders (PMID: 31370276; PMID: 8069315). Also, this variant is rare in population databases. Computational evidence supports a deleterious effect. Based on the currently available evidence, this variant is classified as likely pathogenic.

NHS Central & South Genomic Laboratory Hub
Classification: Pathogenic for Neurofibromatosis type 1. Last evaluated: 2025-04-09. Review status: criteria provided, single submitter. Criteria: ACMG Guidelines, 2015. Collection method: clinical testing. Allele origin: germline. Affected: yes.

Labcorp Genetics (formerly Invitae), Labcorp
Classification: Pathogenic for Neurofibromatosis, type 1. Last evaluated: 2022-08-23. Review status: criteria provided, single submitter. Criteria: Invitae Variant Classification Sherloc (09022015). Collection method: clinical testing. Allele origin: germline.
Comment: For these reasons, this variant has been classified as Pathogenic. Variants that disrupt the consensus splice site are a relatively common cause of aberrant splicing (PMID: 17576681, 9536098). Studies have shown that this variant results in skipping of exon 41 and introduces a premature termination codon (PMID: 8069315, 31370276). The resulting mRNA is expected to undergo nonsense-mediated decay. This variant is also known as IVS33+4A>G. This variant has been observed in individual(s) with NF1-related conditions (PMID: 8069315, 31370276). This variant is not present in population databases (gnomAD no frequency). This sequence change falls in intron 41 of the NF1 gene. It does not directly change the encoded amino acid sequence of the NF1 protein. RNA analysis indicates that this variant induces altered splicing and may result in an absent or disrupted protein product.

Literature cited by the submitters: PubMed 31370276 (cited by Dasa and Labcorp Genetics (formerly Invitae), Labcorp); PubMed 8069315 (cited by Dasa and Labcorp Genetics (formerly Invitae), Labcorp); PubMed 566355 (cited by Dasa); PubMed 17576681 (cited by Labcorp Genetics (formerly Invitae), Labcorp); PubMed 9536098 (cited by Labcorp Genetics (formerly Invitae), Labcorp).